The following is an entry in ClinVar:

ClinVar aggregate classification (germline): Conflicting classifications of pathogenicity. Review status: criteria provided, conflicting classifications (1 of 4 stars). 3 submissions from 3 submitters: Uncertain significance (1); Benign (1); Likely benign (1). Last evaluated 2024-02-01.

Conditions:
Gaze palsy, familial horizontal, with progressive scoliosis 1 (HGPPS1). Identifiers: Orphanet 2744, MedGen C4551964, MONDO:0020790, OMIM 607313.

Allele frequency attached by ClinVar (database versions not stated): 1000 Genomes Project 30x 0.00016; 1000 Genomes Project 0.00020; TOPMed 0.00032; ESP Exome Variant Server 0.00040; gnomAD exomes 0.00088 and 0.00103; gnomAD 0.00101 and 0.00106; ExAC 0.00123.
gnomAD v4.1: 1,415 of 1,604,318 alleles (0.088%); highest among the groups gnomAD compares: Non-Finnish European, 0.073%; 2 homozygotes.

Submissions (3):

CeGaT Center for Human Genetics Tuebingen
Classification: Likely benign. Last evaluated: 2024-02-01. Review status: criteria provided, single submitter. Criteria: CeGaT Center For Human Genetics Tuebingen Variant Classification Criteria Version 2. Collection method: clinical testing. Allele origin: germline. Affected: yes. Observed: 1 variant allele.
Comment: ROBO3: BP4, BP7

Labcorp Genetics (formerly Invitae), Labcorp
Classification: Benign. Last evaluated: 2018-05-24. Review status: criteria provided, single submitter. Criteria: Invitae Variant Classification Sherloc (09022015). Collection method: clinical testing. Allele origin: germline.

Illumina Laboratory Services, Illumina
Classification: Uncertain significance for Gaze palsy, familial horizontal, with progressive scoliosis 1. Last evaluated: 2018-01-13. Review status: criteria provided, single submitter. Criteria: ICSL Variant Classification Criteria 13 December 2019. Collection method: clinical testing. Allele origin: germline.

NM_022370.4(ROBO3):c.3921C>T (p.Ala1307=)

Gene: ROBO3 (roundabout guidance receptor 3; plus strand). Cytogenetic location: 11q24.2.
Variant type: single nucleotide variant.
Coding change: c.3921C>T on transcript NM_022370.4 (MANE Select); coding-DNA position 3921, C replaced by T.
Protein change: p.Ala1307=; no amino-acid change (alanine 1307 retained).
Molecular consequence: synonymous variant. On other transcripts: non-coding transcript variant (7).
Genome position (GRCh38, 1-based): chr11:124,879,911, C>T. VCF-style: chr11-124879911-C-T. GRCh37 (hg19) VCF-style: chr11-124749807-C-T.
Other names: c.1068C>T, p.Ala356= (NM_001370356.1, NM_001370357.1, NM_001370358.1 and 2 more transcripts); c.873C>T, p.Ala291= (NM_001370364.1, NM_001370366.1).
Identifiers: ClinVar variation 303277 (VCV000303277.30), dbSNP rs374359013, ClinGen allele CA6344323.
Genomic context (GRCh38, chr11:124,879,911, plus strand): 5'-AGCAGGCAGCATGTCCTCCCTGGAGCGGGAGCGCAGTGGGGAGAGGAAAGCGGTCCAGGC[C>T]GTGCCCCTGGCAGCCCAGCGGGTGCTCCACCCAGATGGTAAGCAGGGCCAGGGCAGGCAG-3'
Protein context (NP_071765.2, residues 1297-1317): ERSGERKAVQ[Ala1307=]VPLAAQRVLH